The following is an entry in ClinVar:

ClinVar aggregate classification (germline): Uncertain significance (1 of 4 stars; one submission).

Submission:

GeneDx
Classification: Uncertain significance. Last evaluated: 2022-11-07. Review status: criteria provided, single submitter. Criteria: GeneDx Variant Classification Process June 2021. Collection method: clinical testing. Allele origin: germline. Affected: yes.
Comment: Not observed at significant frequency in large population cohorts (gnomAD); In silico analysis supports that this missense variant has a deleterious effect on protein structure/function; Has not been previously published as pathogenic or benign to our knowledge

NM_004380.3(CREBBP):c.2014C>T (p.Arg672Cys)

Gene: CREBBP (CREB binding protein; minus strand). Cytogenetic location: 16p13.3.
Variant type: single nucleotide variant.
Coding change: c.2014C>T on transcript NM_004380.3 (MANE Select); coding-DNA position 2014, C replaced by T.
Protein change: p.Arg672Cys; replaces arginine 672 with cysteine.
Molecular consequence: missense variant.
Genome position (GRCh38, 1-based): chr16:3,778,110, G>A on the plus strand (C>T on the coding strand, the complement: CREBBP is on the minus strand). VCF-style: chr16-3778110-G-A. GRCh37 (hg19) VCF-style: chr16-3828111-G-A.
Other names: c.1900C>T, p.Arg634Cys (NM_001079846.1); short protein forms R634C, R672C.
Identifiers: ClinVar variation 2501403 (VCV002501403.1), dbSNP rs2141233908, ClinGen allele CA394554637.